The following is an entry in ClinVar:

ClinVar aggregate classification (germline): Uncertain significance. Review status: criteria provided, multiple submitters, no conflicts (2 of 4 stars). 3 submissions from 3 submitters: Uncertain significance (3). Last evaluated 2025-04-21.

Conditions:
Inborn genetic diseases. Identifiers: MedGen C0950123, MeSH D030342.
Emery-Dreifuss muscular dystrophy 4, autosomal dominant (EDMD4). Also called: EMERY-DREIFUSS MUSCULAR DYSTROPHY 4 WITH VARIABLE FEATURES. Identifiers: Orphanet 261, MedGen C2751807, MONDO:0013071, OMIM 612998.
Autosomal recessive ataxia, Beauce type. Also called: Spinocerebellar ataxia, autosomal recessive 8; ATAXIA, RECESSIVE, OF BEAUCE; SYNE1 Deficiency; SYNE1-Related Autosomal Recessive Cerebellar Ataxia. Identifiers: Orphanet 88644, MedGen C1853116, MONDO:0012549, OMIM 610743.

Allele frequency attached by ClinVar (database versions not stated): gnomAD exomes below 0.00001 and 0.00003; ExAC 0.00004; gnomAD 0.00009; ESP Exome Variant Server 0.00023.
gnomAD v4.1: 18 of 1,613,936 alleles (0.0011%); highest among the groups gnomAD compares: African/African-American, 0.024%; no homozygotes.

Submissions (3):

Labcorp Genetics (formerly Invitae), Labcorp
Classification: Uncertain significance for Emery-Dreifuss muscular dystrophy 4, autosomal dominant; Autosomal recessive ataxia, Beauce type. Last evaluated: 2025-04-21. Review status: criteria provided, single submitter. Criteria: Invitae Variant Classification Sherloc (09022015). Collection method: clinical testing. Allele origin: germline.
Comment: This sequence change replaces alanine, which is neutral and non-polar, with serine, which is neutral and polar, at codon 7094 of the SYNE1 protein (p.Ala7094Ser). This variant is present in population databases (rs150723622, gnomAD 0.05%). This variant has not been reported in the literature in individuals affected with SYNE1-related conditions. ClinVar contains an entry for this variant (Variation ID: 1420416). An algorithm developed to predict the effect of missense changes on protein structure and function (PolyPhen-2) suggests that this variant is likely to be disruptive. In summary, the available evidence is currently insufficient to determine the role of this variant in disease. Therefore, it has been classified as a Variant of Uncertain Significance.

Ambry Genetics
Classification: Uncertain significance for Inborn genetic diseases. Last evaluated: 2021-07-14. Review status: criteria provided, single submitter. Criteria: Ambry Variant Classification Scheme 2023. Collection method: clinical testing. Allele origin: germline.

Revvity Omics, Revvity
Classification: Uncertain significance. Last evaluated: 2019-05-16. Review status: criteria provided, single submitter. Criteria: ACMG Guidelines, 2015. Collection method: clinical testing. Allele origin: germline.

NM_182961.4(SYNE1):c.21493G>T (p.Ala7165Ser)

Gene: SYNE1 (spectrin repeat containing nuclear envelope protein 1; minus strand). Cytogenetic location: 6q25.2.
Variant type: single nucleotide variant.
Coding change: c.21493G>T on transcript NM_182961.4 (MANE Select); coding-DNA position 21493, G replaced by T.
Protein change: p.Ala7165Ser; replaces alanine 7165 with serine.
Molecular consequence: missense variant.
Genome position (GRCh38, 1-based): chr6:152,224,523, C>A on the plus strand (G>T on the coding strand, the complement: SYNE1 is on the minus strand). VCF-style: chr6-152224523-C-A. GRCh37 (hg19) VCF-style: chr6-152545658-C-A.
Other names: c.21280G>T (NM_033071.3); c.21280G>T, p.Ala7094Ser (NM_033071.5); short protein forms A7094S, A7165S.
Identifiers: ClinVar variation 1420416 (VCV001420416.11), dbSNP rs150723622, ClinGen allele CA4054146.